The following is an entry in ClinVar:

ClinVar aggregate classification (germline): Likely benign. Review status: criteria provided, multiple submitters, no conflicts (2 of 4 stars). 2 submissions from 2 submitters: Likely benign (2). Last evaluated 2025-11-28.

Conditions:
Congenital contractural arachnodactyly (CCA). Also called: BEALS SYNDROME; Beals-Hecht syndrome; Arthrogryposis, distal, type 9. Identifiers: Orphanet 115, MedGen C0220668, MONDO:0007363, OMIM 121050.

Allele frequency attached by ClinVar (database versions not stated): gnomAD 0.00001; gnomAD exomes 0.00001 and 0.00004; TOPMed 0.00002; ExAC 0.00005.
gnomAD v4.1: 9 of 1,613,482 alleles (0.00056%); highest among the groups gnomAD compares: East Asian, 0.02%; no homozygotes.

Submissions (2):

Labcorp Genetics (formerly Invitae), Labcorp
Classification: Likely benign for Congenital contractural arachnodactyly. Last evaluated: 2025-11-28. Review status: criteria provided, single submitter. Criteria: Invitae Variant Classification Sherloc (09022015). Collection method: clinical testing. Allele origin: germline.

GeneDx
Classification: Likely benign. Last evaluated: 2018-03-02. Review status: criteria provided, single submitter. Criteria: GeneDx Variant Classification (06012015). Collection method: clinical testing. Allele origin: germline. Affected: yes.
Comment: This variant is considered likely benign or benign based on one or more of the following criteria: it is a conservative change, it occurs at a poorly conserved position in the protein, it is predicted to be benign by multiple in silico algorithms, and/or has population frequency not consistent with disease.

NM_001999.4(FBN2):c.4223-14G>T

Gene: FBN2 (fibrillin 2; minus strand). Cytogenetic location: 5q23.3.
Variant type: single nucleotide variant.
Coding change: c.4223-14G>T on transcript NM_001999.4 (MANE Select); 14 bases into the intron before coding-DNA position 4223, G replaced by T.
Molecular consequence: intron variant.
Genome position (GRCh38, 1-based): chr5:128,330,709, C>A on the plus strand (G>T on the coding strand, the complement: FBN2 is on the minus strand). VCF-style: chr5-128330709-C-A. GRCh37 (hg19) VCF-style: chr5-127666401-C-A.
Identifiers: ClinVar variation 515912 (VCV000515912.3), dbSNP rs370506719, ClinGen allele CA3395025.
Genomic context (GRCh38, chr5:128,330,709, plus strand): 5'-AGCATTGATGCTACACTGGTGGGTTCCATTAGAACATTCGTCCAGATCTGCAGAACACAG[C>A]AATAAAGTTCAGAAATGAAAATGGAACATTTAAGCACCTGGAAAGATTATCGTTTGTCTT-3'